The following is an entry in ClinVar:

NM_206933.4(USH2A):c.4873G>A (p.Gly1625Arg)

Gene: USH2A (usherin; minus strand). Cytogenetic location: 1q41.
Variant type: single nucleotide variant.
Coding change: c.4873G>A on transcript NM_206933.4 (MANE Select); coding-DNA position 4873, G replaced by A.
Protein change: p.Gly1625Arg; replaces glycine 1625 with arginine.
Molecular consequence: missense variant.
Genome position (GRCh38, 1-based): chr1:216,089,025, C>T on the plus strand (G>A on the coding strand, the complement: USH2A is on the minus strand). VCF-style: chr1-216089025-C-T. GRCh37 (hg19) VCF-style: chr1-216262367-C-T.
Other names: short protein forms G1625R.
Identifiers: ClinVar variation 2631249 (VCV002631249.2), dbSNP rs747974453, ClinGen allele CA1395603.
Genomic context (GRCh38, chr1:216,089,025, plus strand): 5'-ACACCAACATATCAACAGGGCTATTTATACATATCAAAAAGTACTTACCTGTATATATCC[C>T]ATCCAGAGTGATTTGGCCAAAAGCCTGATGCCTAATAGCAATTATTTCATGCCATTTTCC-3'
Protein context (NP_996816.3, residues 1615-1635): HQAFGQITLD[Gly1625Arg]IYTGSSAILN

ClinVar aggregate classification (germline): Uncertain significance. Review status: criteria provided, multiple submitters, no conflicts (2 of 4 stars). 2 submissions from 2 submitters: Uncertain significance (2). Last evaluated 2023-08-08.

Conditions:
USH2A-related disorder. Also called: USH2A-related condition; USH2A-related disorders. Identifiers: MedGen CN239332.

Allele frequency attached by ClinVar (database versions not stated): ExAC 0.00001; gnomAD 0.00001.
gnomAD v4.1: 1 of 1,613,278 alleles (0.000062%); highest among the groups gnomAD compares: East Asian, 0.0022%; no homozygotes.

Submissions (2):

PreventionGenetics, part of Exact Sciences
Classification: Uncertain significance for USH2A-related condition. Last evaluated: 2023-08-08. Review status: criteria provided, single submitter. Criteria: ACMG Guidelines, 2015. Collection method: clinical testing. Allele origin: germline.
Comment: The USH2A c.4873G>A variant is predicted to result in the amino acid substitution p.Gly1625Arg. To our knowledge, this variant has not been reported in the literature. This variant is reported in 0.0054% of alleles in individuals of East Asian descent in gnomAD. At this time, the clinical significance of this variant is uncertain due to the absence of conclusive functional and genetic evidence.

Blueprint Genetics
Classification: Uncertain significance. Last evaluated: 2022-03-25. Review status: criteria provided, single submitter. Criteria: ACMG Guidelines, 2015. Collection method: clinical testing. Allele origin: germline.